The following is an entry in ClinVar:

NM_001349206.2(LPIN1):c.1892A>G (p.Lys631Arg)

Gene: LPIN1 (lipin 1; plus strand). Cytogenetic location: 2p25.1.
Variant type: single nucleotide variant.
Coding change: c.1892A>G on transcript NM_001349206.2 (MANE Select); coding-DNA position 1892, A replaced by G.
Protein change: p.Lys631Arg; replaces lysine 631 with arginine.
Molecular consequence: missense variant. On other transcripts: non-coding transcript variant (1).
Genome position (GRCh38, 1-based): chr2:11,802,912, A>G. VCF-style: chr2-11802912-A-G. GRCh37 (hg19) VCF-style: chr2-11943038-A-G.
Other names: c.1802A>G, p.Lys601Arg (NM_001261427.3); c.2039A>G, p.Lys680Arg (NM_001261428.3); c.1784A>G, p.Lys595Arg (NM_001349199.2, NM_145693.4); c.1862A>G, p.Lys621Arg (NM_001349200.2, NM_001349201.2); c.1889A>G, p.Lys630Arg (NM_001349202.2, NM_001349203.2); c.1892A>G, p.Lys631Arg (NM_001349204.2, NM_001349205.2); c.1982A>G, p.Lys661Arg (NM_001349207.2); c.1931A>G, p.Lys644Arg (NM_001349208.2); short protein forms K595R, K601R, K630R, K631R, K680R, K661R, K621R, K644R.
Identifiers: ClinVar variation 2065149 (VCV002065149.1), dbSNP rs139638471, ClinGen allele CA1533921.

ClinVar aggregate classification (germline): Uncertain significance (1 of 4 stars; one submission).

Allele frequency attached by ClinVar (database versions not stated): gnomAD exomes 0.00001; gnomAD 0.00002; TOPMed 0.00002; ESP Exome Variant Server 0.00008.
gnomAD v4.1: 13 of 1,613,150 alleles (0.00081%); highest among the groups gnomAD compares: Admixed American, 0.01%; no homozygotes.

Submission:

Labcorp Genetics (formerly Invitae), Labcorp
Classification: Uncertain significance. Last evaluated: 2022-04-19. Review status: criteria provided, single submitter. Criteria: Invitae Variant Classification Sherloc (09022015). Collection method: clinical testing. Allele origin: germline.
Comment: This sequence change replaces lysine, which is basic and polar, with arginine, which is basic and polar, at codon 595 of the LPIN1 protein (p.Lys595Arg). This variant is present in population databases (rs139638471, gnomAD 0.003%). This variant has not been reported in the literature in individuals affected with LPIN1-related conditions. Algorithms developed to predict the effect of missense changes on protein structure and function are either unavailable or do not agree on the potential impact of this missense change (SIFT: "Tolerated"; PolyPhen-2: "Possibly Damaging"; Align-GVGD: "Class C0"). Algorithms developed to predict the effect of sequence changes on RNA splicing suggest that this variant may create or strengthen a splice site. In summary, the available evidence is currently insufficient to determine the role of this variant in disease. Therefore, it has been classified as a Variant of Uncertain Significance.